The following is an entry in ClinVar:

ClinVar aggregate classification (germline): Uncertain significance (1 of 4 stars; one submission).

Conditions:
Nemaline myopathy 2 (NEM2). Also called: Nemaline myopathy 2, autosomal recessive. Identifiers: MedGen C1850569, MONDO:0009725, OMIM 256030.

Allele frequency attached by ClinVar (database versions not stated): TOPMed below 0.00001; gnomAD 0.00001; gnomAD exomes 0.00001.
gnomAD v4.1: 6 of 1,612,702 alleles (0.00037%); highest among the groups gnomAD compares: Non-Finnish European, 0.00051%; no homozygotes.

Submission:

Labcorp Genetics (formerly Invitae), Labcorp
Classification: Uncertain significance for Nemaline myopathy 2. Last evaluated: 2024-01-29. Review status: criteria provided, single submitter. Criteria: Invitae Variant Classification Sherloc (09022015). Collection method: clinical testing. Allele origin: germline.
Comment: This sequence change replaces aspartic acid, which is acidic and polar, with asparagine, which is neutral and polar, at codon 6175 of the NEB protein (p.Asp6175Asn). This variant is not present in population databases (gnomAD no frequency). This variant has not been reported in the literature in individuals affected with NEB-related conditions. Experimental studies and prediction algorithms are not available or were not evaluated, and the functional significance of this variant is currently unknown. In summary, the available evidence is currently insufficient to determine the role of this variant in disease. Therefore, it has been classified as a Variant of Uncertain Significance.

NM_001164508.2(NEB):c.18523G>A (p.Asp6175Asn)

Gene: NEB (nebulin; minus strand). Cytogenetic location: 2q23.3.
Variant type: single nucleotide variant.
Coding change: c.18523G>A on transcript NM_001164508.2 (MANE Select); coding-DNA position 18523, G replaced by A.
Protein change: p.Asp6175Asn; replaces aspartic acid 6175 with asparagine.
Molecular consequence: missense variant.
Genome position (GRCh38, 1-based): chr2:151,563,879, C>T on the plus strand (G>A on the coding strand, the complement: NEB is on the minus strand). VCF-style: chr2-151563879-C-T. GRCh37 (hg19) VCF-style: chr2-152420393-C-T.
Other names: c.18523G>A, p.Asp6175Asn (NM_001164507.2, NM_001271208.2); c.13420G>A, p.Asp4474Asn (NM_004543.5); short protein forms D4474N, D6175N.
Identifiers: ClinVar variation 2972676 (VCV002972676.3), dbSNP rs34556044, ClinGen allele CA57657761.